The following is an entry in ClinVar:

NM_025137.4(SPG11):c.7270G>A (p.Val2424Ile)

Gene: SPG11 (SPG11 vesicle trafficking associated, spatacsin; minus strand). Cytogenetic location: 15q21.1.
Variant type: single nucleotide variant.
Coding change: c.7270G>A on transcript NM_025137.4 (MANE Select); coding-DNA position 7270, G replaced by A.
Protein change: p.Val2424Ile; replaces valine 2424 with isoleucine.
Molecular consequence: missense variant.
Genome position (GRCh38, 1-based): chr15:44,563,183, C>T on the plus strand (G>A on the coding strand, the complement: SPG11 is on the minus strand). VCF-style: chr15-44563183-C-T. GRCh37 (hg19) VCF-style: chr15-44855381-C-T.
Other names: c.6931G>A, p.Val2311Ile (NM_001160227.2); short protein forms V2311I, V2424I.
Identifiers: ClinVar variation 952201 (VCV000952201.9), dbSNP rs1300000065, ClinGen allele CA392210136.

ClinVar aggregate classification (germline): Uncertain significance. Review status: criteria provided, multiple submitters, no conflicts (2 of 4 stars). 2 submissions from 2 submitters: Uncertain significance (2). Last evaluated 2025-01-19.

Conditions:
Inborn genetic diseases. Identifiers: MedGen C0950123, MeSH D030342.
Hereditary spastic paraplegia 11. Also called: SPASTIC PARAPLEGIA, AUTOSOMAL RECESSIVE, COMPLICATED, WITH THIN CORPUS CALLOSUM; SPASTIC PARAPLEGIA, AUTOSOMAL RECESSIVE, WITH MENTAL IMPAIRMENT AND THIN CORPUS CALLOSUM; Spastic Paraplegia 11; Nakamura Osame syndrome; Autosomal recessive hereditary spastic paraplegia, mental impairment, and thin corpus callosum; Spastic paraplegia, mental retardation and thin corpus callosum. Identifiers: Orphanet 2822, MedGen C1858479, MONDO:0011445, OMIM 604360.

Allele frequency attached by ClinVar (database versions not stated): gnomAD 0.00001; TOPMed 0.00002; gnomAD exomes 0.00006.
gnomAD v4.1: 95 of 1,614,088 alleles (0.0059%); highest among the groups gnomAD compares: Non-Finnish European, 0.0077%; no homozygotes.

Submissions (2):

Ambry Genetics
Classification: Uncertain significance for Inborn genetic diseases. Last evaluated: 2025-01-19. Review status: criteria provided, single submitter. Criteria: Ambry Variant Classification Scheme 2023. Collection method: clinical testing. Allele origin: germline.

Labcorp Genetics (formerly Invitae), Labcorp
Classification: Uncertain significance for Hereditary spastic paraplegia 11. Last evaluated: 2021-09-01. Review status: criteria provided, single submitter. Criteria: Invitae Variant Classification Sherloc (09022015). Collection method: clinical testing. Allele origin: germline.
Comment: This sequence change replaces valine with isoleucine at codon 2424 of the SPG11 protein (p.Val2424Ile). The valine residue is highly conserved and there is a small physicochemical difference between valine and isoleucine. This variant is not present in population databases (ExAC no frequency). This variant has not been reported in the literature in individuals affected with SPG11-related conditions. Algorithms developed to predict the effect of missense changes on protein structure and function output the following: SIFT: "Deleterious"; PolyPhen-2: "Possibly Damaging"; Align-GVGD: "Class C0". The isoleucine amino acid residue is found in multiple mammalian species, which suggests that this missense change does not adversely affect protein function. In summary, the available evidence is currently insufficient to determine the role of this variant in disease. Therefore, it has been classified as a Variant of Uncertain Significance.